The following is an entry in ClinVar:

ClinVar aggregate classification (germline): Uncertain significance (1 of 4 stars; one submission).

Submission:

Labcorp Genetics (formerly Invitae), Labcorp
Classification: Uncertain significance. Last evaluated: 2024-12-16. Review status: criteria provided, single submitter. Criteria: Invitae Variant Classification Sherloc (09022015). Collection method: clinical testing. Allele origin: germline.
Comment: This sequence change falls in intron 14 of the FAT2 gene. It does not directly change the encoded amino acid sequence of the FAT2 protein. Information on the frequency of this variant in the gnomAD database is not available, as this variant may be reported differently in the database. This variant has not been reported in the literature in individuals affected with FAT2-related conditions. ClinVar contains an entry for this variant (Variation ID: 2784343). Experimental studies and prediction algorithms are not available or were not evaluated, and the effect of this variant on mRNA splicing is currently unknown. In summary, the available evidence is currently insufficient to determine the role of this variant in disease. Therefore, it has been classified as a Variant of Uncertain Significance.

NM_001447.3(FAT2):c.10027-21_10027-20delinsCT

Genes: FAT2 (FAT atypical cadherin 2; minus strand), SLC36A1 (solute carrier family 36 member 1; plus strand). Cytogenetic location: 5q33.1.
Variant type: Indel.
Coding change: c.10027-21_10027-20delinsCT on transcript NM_001447.3 (MANE Select); 21 bases into the intron before coding-DNA position 10027 through 20 bases into the intron before coding-DNA position 10027, AA replaced by CT.
Molecular consequence: intron variant.
Genome position (GRCh38, 1-based): chr5:151,528,153-151,528,154, TT replaced by AG on the plus strand (AA replaced by CT on the coding strand, the reverse complement: FAT2 is on the minus strand). VCF-style: chr5-151528153-TT-AG. GRCh37 (hg19) VCF-style: chr5-150907714-TT-AG.
Identifiers: ClinVar variation 2784343 (VCV002784343.3), dbSNP rs2481006273, ClinGen allele CA2739272751.
Genomic context (GRCh38, chr5:151,528,153, plus strand): 5'-ATGTCACTATTTAGGGGTCCATCTTCATCAGTCGCTGATACCTGCGGTGGGGTAGGGGGA[TT>AG]GTGAATGGAGGGACAGGAATCTTGACCCCTGGGAGTACAGGGGGAAACAGATATGTCCCT-3'